The following is an entry in ClinVar:

ClinVar aggregate classification (germline): Likely pathogenic (1 of 4 stars; one submission).

Conditions:
Sotos syndrome (SOTOS). Also called: CEREBRAL GIGANTISM; Sotos' syndrome; Distinctive facial appearance, overgrowth in childhood, and learning disabilities or delayed development; CHROMOSOME 5q35 DELETION SYNDROME; SOTOS SYNDROME 1. Identifiers: Orphanet 821, MedGen C0175695, MONDO:0019349, OMIM 117550.

Submission:

Neuberg Centre For Genomic Medicine, NCGM
Classification: Likely pathogenic for Sotos syndrome. Review status: criteria provided, single submitter. Criteria: ACMG Guidelines, 2015. Collection method: clinical testing. Allele origin: germline. Inheritance: Autosomal recessive inheritance. Affected: yes.
Comment: The stop gained c.3940G>T(p.Glu1314Ter) variant has not been reported previously as a pathogenic variant nor as a benign variant, to our knowledge. The c.3940G>T variant is novel (not in any individuals) in gnomAD Exomes and 1000 Genomes. This variant has not been reported to the ClinVar database. The nucleotide change c.3940G>T in NSD1 is predicted as conserved by GERP++ and PhyloP across 100 vertebrates. This variant is predicted to cause loss of normal protein function through protein truncation. Loss of function variants have been previously reported to be disease causing. For these reasons, this variant has been classified as Likely Pathogenic.

NM_022455.5(NSD1):c.3940G>T (p.Glu1314Ter)

Gene: NSD1 (nuclear receptor binding SET domain protein 1; plus strand). Cytogenetic location: 5q35.3.
Variant type: single nucleotide variant.
Coding change: c.3940G>T on transcript NM_022455.5 (MANE Select); coding-DNA position 3940, G replaced by T.
Protein change: p.Glu1314Ter; replaces glutamic acid 1314 with a stop codon.
Molecular consequence: nonsense.
Genome position (GRCh38, 1-based): chr5:177,238,255, G>T. VCF-style: chr5-177238255-G-T. GRCh37 (hg19) VCF-style: chr5-176665256-G-T.
Other names: c.3067G>T, p.Glu1023Ter (NM_001365684.2, NM_001409306.1, NM_001409307.1 and 3 more transcripts); c.3940G>T, p.Glu1314Ter (NM_001409301.1, NM_001409302.1, NM_001409303.1); c.3520G>T, p.Glu1174Ter (NM_001409304.1); c.3187G>T, p.Glu1063Ter (NM_001409305.1); short protein forms E1023*, E1063*, E1174*, E1314*.
Identifiers: ClinVar variation 2663942 (VCV002663942.1), dbSNP rs2480589884, ClinGen allele CA362339564.
Genomic context (GRCh38, chr5:177,238,255, plus strand): 5'-CAATTTTGGCCTGTGGACTCTATTTTTATTTTTTGTTCTTAGGTAAGTTCCCGCTGTGAA[G>T]AGGAAAGCCTTCTAGCCCGAGGTCGATCTAGTGCTCAGAACAAGCAGGTGGACGAGAATT-3'